The following is an entry in ClinVar:

NM_020911.2(PLXNA4):c.2129T>A (p.Ile710Asn)

Gene: PLXNA4 (plexin A4; minus strand). Cytogenetic location: 7q32.3.
Variant type: single nucleotide variant.
Coding change: c.2129T>A on transcript NM_020911.2 (MANE Select); coding-DNA position 2129, T replaced by A.
Protein change: p.Ile710Asn; replaces isoleucine 710 with asparagine.
Molecular consequence: missense variant.
Genome position (GRCh38, 1-based): chr7:132,211,112, A>T on the plus strand (T>A on the coding strand, the complement: PLXNA4 is on the minus strand). VCF-style: chr7-132211112-A-T. GRCh37 (hg19) VCF-style: chr7-131895871-A-T.
Other names: c.2129T>A, p.Ile710Asn (NM_001393897.1); short protein forms I710N.
Identifiers: ClinVar variation 5001109 (VCV005001109.1).

ClinVar aggregate classification (germline): Uncertain significance (1 of 4 stars; one submission).

Conditions:
PLXNA4-related disorder. Also called: PLXNA4-related condition.

Submission:

PreventionGenetics, part of Exact Sciences
Classification: Uncertain significance for PLXNA4-related condition. Last evaluated: 2026-08-12. Review status: criteria provided, single submitter. Criteria: ACMG Guidelines, 2015. Collection method: clinical testing. Allele origin: germline.
Comment: The PLXNA4 c.2129T>A variant is predicted to result in the amino acid substitution p.Ile710Asn. To our knowledge, this variant has not been reported in the literature. This variant is reported in 0.0022% of alleles in individuals of European (Non-Finnish) descent in gnomAD. At this time, the clinical significance of this variant is uncertain due to the absence of conclusive functional and genetic evidence.